The following is an entry in ClinVar:

ClinVar aggregate classification (germline): Pathogenic/Likely pathogenic. Review status: criteria provided, multiple submitters, no conflicts (2 of 4 stars). 3 submissions from 3 submitters: Pathogenic (1); Likely pathogenic (2). Last evaluated 2024-06-01.

Conditions:
Finnish congenital nephrotic syndrome (NPHS1). Also called: NEPHROTIC SYNDROME, TYPE 1. Identifiers: Orphanet 839, MedGen C0403399, MONDO:0009732, OMIM 256300.
NPHS1-related disorder. Also called: NPHS1-related condition.

Submissions (3):

Fulgent Genetics
Classification: Likely pathogenic for Finnish congenital nephrotic syndrome. Last evaluated: 2024-06-01. Review status: criteria provided, single submitter. Criteria: ACMG Guidelines, 2015. Collection method: clinical testing. Allele origin: germline.

Labcorp Genetics (formerly Invitae), Labcorp
Classification: Pathogenic. Last evaluated: 2021-08-03. Review status: criteria provided, single submitter. Criteria: Invitae Variant Classification Sherloc (09022015). Collection method: clinical testing. Allele origin: germline.
Comment: For these reasons, this variant has been classified as Pathogenic. This variant has not been reported in the literature in individuals affected with NPHS1-related conditions. This variant is not present in population databases (ExAC no frequency). This sequence change creates a premature translational stop signal (p.Leu273*) in the NPHS1 gene. It is expected to result in an absent or disrupted protein product. Loss-of-function variants in NPHS1 are known to be pathogenic (PMID: 11317351, 11854170, 12039988).

Blueprint Genetics
Classification: Likely pathogenic for NPHS1-related disorders. Last evaluated: 2019-02-18. Review status: criteria provided, single submitter. Criteria: ACMG Guidelines, 2015. Collection method: clinical testing. Allele origin: germline. Affected: yes. Observed: 1 variant allele.

Literature cited by the submitters: PubMed 11317351 (cited by Labcorp Genetics (formerly Invitae), Labcorp); PubMed 11854170 (cited by Labcorp Genetics (formerly Invitae), Labcorp); PubMed 12039988 (cited by Labcorp Genetics (formerly Invitae), Labcorp).

NM_004646.4(NPHS1):c.816del (p.Pro272_Leu273insTer)

Gene: NPHS1 (NPHS1 adhesion molecule, nephrin; minus strand). Cytogenetic location: 19q13.12.
Variant type: Deletion.
Coding change: c.816del on transcript NM_004646.4 (MANE Select); coding-DNA position 816, one base deleted (C; older notation c.816delC).
Protein change: p.Pro272_Leu273insTer.
Molecular consequence: frameshift variant.
Genome position (GRCh38, 1-based): chr19:35,849,260, G deleted on the plus strand (C on the coding strand, the reverse complement: NPHS1 is on the minus strand); the first of 3 consecutive G bases (chr19:35,849,260-35,849,262); deleting any one gives the same sequence. VCF-style (leftmost placement, unchanged base first): chr19-35849259-AG-A. GRCh37 (hg19) VCF-style: chr19-36340161-AG-A.
Identifiers: ClinVar variation 1438822 (VCV001438822.8), dbSNP rs1973192389, ClinGen allele CA995487070.